The following is an entry in ClinVar:

NM_032776.3(JMJD1C):c.6430A>G (p.Ile2144Val)

Gene: JMJD1C (jumonji domain containing 1C; minus strand). Cytogenetic location: 10q21.3.
Variant type: single nucleotide variant.
Coding change: c.6430A>G on transcript NM_032776.3 (MANE Select); coding-DNA position 6430, A replaced by G.
Protein change: p.Ile2144Val; replaces isoleucine 2144 with valine.
Molecular consequence: missense variant. On other transcripts: non-coding transcript variant (1).
Genome position (GRCh38, 1-based): chr10:63,189,308, T>C on the plus strand (A>G on the coding strand, the complement: JMJD1C is on the minus strand). VCF-style: chr10-63189308-T-C. GRCh37 (hg19) VCF-style: chr10-64949068-T-C.
Other names: c.5884A>G, p.Ile1962Val (NM_001282948.2, NM_001318154.2); c.5566A>G, p.Ile1856Val (NM_001318153.2); c.6316A>G, p.Ile2106Val (NM_001322252.2); c.5773A>G, p.Ile1925Val (NM_001322254.2, NM_001322258.2); short protein forms I2106V, I1925V, I1962V, I1856V, I2144V.
Identifiers: ClinVar variation 4711364 (VCV004711364.1).
Genomic context (GRCh38, chr10:63,189,308, plus strand): 5'-CACAGATCCAAGAATGTGGTATATCACTGTATAATTTATTATTTTCATCCACTGCAGATA[T>C]TATGCTTTCTTCAGGCTCTTCTTTAAGCTCTGGTTTTACATTTATCTTGGAGGTTTTACT-3'
Protein context (NP_116165.1, residues 2134-2154): ELKEEPEESI[Ile2144Val]SAVDENNKLY

ClinVar aggregate classification (germline): Uncertain significance (1 of 4 stars; one submission).

Conditions:
Early Myoclonic Encephalopathy. Identifiers: MedGen C0270855.

gnomAD v4.1: 4 of 1,613,758 alleles (0.00025%); highest among the groups gnomAD compares: Admixed American, 0.0017%; no homozygotes.

Submission:

Labcorp Genetics (formerly Invitae), Labcorp
Classification: Uncertain significance for Early Myoclonic Encephalopathy. Last evaluated: 2025-03-24. Review status: criteria provided, single submitter. Criteria: Invitae Variant Classification Sherloc (09022015). Collection method: clinical testing. Allele origin: germline.
Comment: This sequence change replaces isoleucine, which is neutral and non-polar, with valine, which is neutral and non-polar, at codon 2144 of the JMJD1C protein (p.Ile2144Val). This variant is present in population databases (no rsID available, gnomAD 0.003%). This variant has not been reported in the literature in individuals affected with JMJD1C-related conditions. Invitae Evidence Modeling of protein sequence and biophysical properties (such as structural, functional, and spatial information, amino acid conservation, physicochemical variation, residue mobility, and thermodynamic stability) indicates that this missense variant is not expected to disrupt JMJD1C protein function with a negative predictive value of 80%. In summary, the available evidence is currently insufficient to determine the role of this variant in disease. Therefore, it has been classified as a Variant of Uncertain Significance.